The following is an entry in ClinVar:

ClinVar aggregate classification (germline): Uncertain significance. Review status: criteria provided, multiple submitters, no conflicts (2 of 4 stars). 3 submissions from 3 submitters: Uncertain significance (3). Last evaluated 2026-04-30.

Conditions:
Fanconi renotubular syndrome 3 (FRTS3). Identifiers: MedGen C3810100, MONDO:0014275, OMIM 615605.
EHHADH-related disorder. Also called: EHHADH-related condition.

Allele frequency attached by ClinVar (database versions not stated): gnomAD 0.00001; TOPMed 0.00001.
gnomAD v4.1: 11 of 1,613,942 alleles (0.00068%); highest among the groups gnomAD compares: Middle Eastern, 0.049%; no homozygotes.

Submissions (3):

PreventionGenetics, part of Exact Sciences
Classification: Uncertain significance for EHHADH-related condition. Last evaluated: 2026-04-30. Review status: criteria provided, single submitter. Criteria: ACMG Guidelines, 2015. Collection method: clinical testing. Allele origin: germline.
Comment: The EHHADH c.126C>A variant is predicted to result in the amino acid substitution p.Asp42Glu. To our knowledge, this variant has not been reported in the literature or in a large population database (gnomAD), indicating this variant is rare. At this time, the clinical significance of this variant is uncertain due to the absence of conclusive functional and genetic evidence.

Ambry Genetics
Classification: Uncertain significance. Last evaluated: 2025-09-11. Review status: criteria provided, single submitter. Criteria: Ambry Variant Classification Scheme 2023. Collection method: clinical testing. Allele origin: germline.

Department of Pathology and Laboratory Medicine, Sinai Health System
Classification: Uncertain significance for Fanconi renotubular syndrome 3. Last evaluated: 2020-08-17. Review status: criteria provided, single submitter. Criteria: ACMG Guidelines, 2015. Collection method: research. Allele origin: germline.

NM_001966.4(EHHADH):c.126C>A (p.Asp42Glu)

Gene: EHHADH (enoyl-CoA hydratase and 3-hydroxyacyl CoA dehydrogenase; minus strand). Cytogenetic location: 3q27.2.
Variant type: single nucleotide variant.
Coding change: c.126C>A on transcript NM_001966.4 (MANE Select); coding-DNA position 126, C replaced by A.
Protein change: p.Asp42Glu; replaces aspartic acid 42 with glutamic acid.
Molecular consequence: missense variant. On other transcripts: 5 prime UTR variant (1).
Genome position (GRCh38, 1-based): chr3:185,248,466, G>T on the plus strand (C>A on the coding strand, the complement: EHHADH is on the minus strand). VCF-style: chr3-185248466-G-T. GRCh37 (hg19) VCF-style: chr3-184966254-G-T.
Other names: c.-163C>A (NM_001166415.2); short protein forms D42E.
Identifiers: ClinVar variation 2628688 (VCV002628688.4), dbSNP rs1232343760, ClinGen allele CA355676809.